The following is an entry in ClinVar:

ClinVar aggregate classification (germline): Uncertain significance (1 of 4 stars; one submission).

Conditions:
Fanconi anemia (FA). Also called: Fanconi's anemia. Identifiers: Orphanet 84, MedGen C0015625, MeSH D005199, MONDO:0019391.

Submission:

Labcorp Genetics (formerly Invitae), Labcorp
Classification: Uncertain significance for Fanconi anemia. Last evaluated: 2023-03-01. Review status: criteria provided, single submitter. Criteria: Invitae Variant Classification Sherloc (09022015). Collection method: clinical testing. Allele origin: germline.
Comment: In summary, the available evidence is currently insufficient to determine the role of this variant in disease. Therefore, it has been classified as a Variant of Uncertain Significance. This variant has not been reported in the literature in individuals affected with FANCF-related conditions. This variant is not present in population databases (gnomAD no frequency). This sequence change affects codon 18 of the FANCF mRNA. It is a 'silent' change, meaning that it does not change the encoded amino acid sequence of the FANCF protein.

NM_022725.4(FANCF):c.54A>G (p.Ser18=)

Gene: FANCF (FA complementation group F; minus strand). Cytogenetic location: 11p14.3.
Variant type: single nucleotide variant.
Coding change: c.54A>G on transcript NM_022725.4 (MANE Select); coding-DNA position 54, A replaced by G.
Protein change: p.Ser18=; no amino-acid change (serine 18 retained).
Molecular consequence: synonymous variant.
Genome position (GRCh38, 1-based): chr11:22,625,757, T>C on the plus strand (A>G on the coding strand, the complement: FANCF is on the minus strand). VCF-style: chr11-22625757-T-C. GRCh37 (hg19) VCF-style: chr11-22647303-T-C.
Identifiers: ClinVar variation 2834620 (VCV002834620.3), dbSNP rs2494871769, ClinGen allele CA473533995.
Genomic context (GRCh38, chr11:22,625,757, plus strand): 5'-CGCCCACTGCAAGGCCCGGCGCACGGTGGCGGGGTCCCAGGTGCTGACGTAGGTAGTGCT[T>C]GAGACCGCCAGAAGCTCGGAAAAGCGATCCAGGTGCTGCAGAAGGGATTCCATGAGGTGC-3'
Protein context (NP_073562.1, residues 8-28): LDRFSELLAV[Ser18=]STTYVSTWDP